The following is an entry in ClinVar:

ClinVar aggregate classification (germline): Uncertain significance. Review status: criteria provided, multiple submitters, no conflicts (2 of 4 stars). 2 submissions from 2 submitters: Uncertain significance (2). Last evaluated 2024-08-21.

Conditions:
Tuberous sclerosis 2 (TSC2). Identifiers: Orphanet 805, MedGen C1860707, MONDO:0013199, OMIM 613254.
Hereditary cancer-predisposing syndrome. Also called: Neoplastic Syndromes, Hereditary; Tumor predisposition; Hereditary Cancer Syndrome; Hereditary neoplastic syndrome. Identifiers: Orphanet 140162, MedGen C0027672, MeSH D009386, MONDO:0015356.

gnomAD v4.1: 2 of 1,611,678 alleles (0.00012%); highest among the groups gnomAD compares: South Asian, 0.0022%; no homozygotes.

Submissions (2):

Ambry Genetics
Classification: Uncertain significance for Hereditary cancer-predisposing syndrome. Last evaluated: 2024-08-21. Review status: criteria provided, single submitter. Criteria: Ambry Variant Classification Scheme 2023. Collection method: clinical testing. Allele origin: germline.
Comment: The p.D1677E variant (also known as c.5031C>G), located in coding exon 38 of the TSC2 gene, results from a C to G substitution at nucleotide position 5031. The aspartic acid at codon 1677 is replaced by glutamic acid, an amino acid with highly similar properties. This amino acid position is highly conserved in available vertebrate species. In addition, the in silico prediction for this alteration is inconclusive. Based on the available evidence, the clinical significance of this variant remains unclear.

Labcorp Genetics (formerly Invitae), Labcorp
Classification: Uncertain significance for Tuberous sclerosis 2. Last evaluated: 2021-12-23. Review status: criteria provided, single submitter. Criteria: Invitae Variant Classification Sherloc (09022015). Collection method: clinical testing. Allele origin: germline.
Comment: This sequence change replaces aspartic acid, which is acidic and polar, with glutamic acid, which is acidic and polar, at codon 1677 of the TSC2 protein (p.Asp1677Glu). This variant is not present in population databases (gnomAD no frequency). This variant has not been reported in the literature in individuals affected with TSC2-related conditions. Advanced modeling of protein sequence and biophysical properties (such as structural, functional, and spatial information, amino acid conservation, physicochemical variation, residue mobility, and thermodynamic stability) performed at Invitae indicates that this missense variant is not expected to disrupt TSC2 protein function. Algorithms developed to predict the effect of sequence changes on RNA splicing suggest that this variant may create or strengthen a splice site. In summary, the available evidence is currently insufficient to determine the role of this variant in disease. Therefore, it has been classified as a Variant of Uncertain Significance.

NM_000548.5(TSC2):c.5031C>G (p.Asp1677Glu)

Gene: TSC2 (TSC complex subunit 2; plus strand). Cytogenetic location: 16p13.3.
Variant type: single nucleotide variant.
Coding change: c.5031C>G on transcript NM_000548.5 (MANE Select); coding-DNA position 5031, C replaced by G.
Protein change: p.Asp1677Glu; replaces aspartic acid 1677 with glutamic acid.
Molecular consequence: missense variant.
Genome position (GRCh38, 1-based): chr16:2,087,904, C>G. VCF-style: chr16-2087904-C-G. GRCh37 (hg19) VCF-style: chr16-2137905-C-G.
Other names: c.4431C>G, p.Asp1477Glu (NM_001406680.1); c.4371C>G, p.Asp1457Glu (NM_001406681.1); c.4362C>G, p.Asp1454Glu (NM_001406682.1, NM_001406683.1); c.4359C>G, p.Asp1453Glu (NM_001406684.1); c.4233C>G, p.Asp1411Glu (NM_001406685.1, NM_001406686.1); c.4230C>G, p.Asp1410Glu (NM_001406687.1, NM_001406688.1); c.3618C>G, p.Asp1206Glu (NM_001406689.1); c.4830C>G, p.Asp1610Glu (NM_001077183.3); and 26 more; short protein forms D1163E, D1433E, D1454E, D1457E, D1604E, D1611E, D1634E, D1653E.
Identifiers: ClinVar variation 1744901 (VCV001744901.9), dbSNP rs878854113, ClinGen allele CA394311320.